The following is an entry in ClinVar:

ClinVar aggregate classification (germline): Uncertain significance (1 of 4 stars; one submission).

gnomAD v4.1: 2 of 1,609,314 alleles (0.00012%); highest among the groups gnomAD compares: Non-Finnish European, 0.00017%; no homozygotes.

Submission:

Ambry Genetics
Classification: Uncertain significance. Last evaluated: 2026-07-31. Review status: criteria provided, single submitter. Criteria: Ambry Variant Classification Scheme 2023. Collection method: clinical testing. Allele origin: germline.
Comment: The p.A410V variant (also known as c.1229C>T), located in coding exon 1 of the MLH3 gene, results from a C to T substitution at nucleotide position 1229. The alanine at codon 410 is replaced by valine, an amino acid with similar properties. This amino acid position is conserved. In addition, this alteration is predicted to be tolerated by in silico analysis. Based on the available evidence, the clinical significance of this variant remains unclear.

NM_001040108.2(MLH3):c.1229C>T (p.Ala410Val)

Gene: MLH3 (mutL homolog 3; minus strand). Cytogenetic location: 14q24.3.
Variant type: single nucleotide variant.
Coding change: c.1229C>T on transcript NM_001040108.2 (MANE Select); coding-DNA position 1229, C replaced by T.
Protein change: p.Ala410Val; replaces alanine 410 with valine.
Molecular consequence: missense variant.
Genome position (GRCh38, 1-based): chr14:75,048,427, G>A on the plus strand (C>T on the coding strand, the complement: MLH3 is on the minus strand). VCF-style: chr14-75048427-G-A. GRCh37 (hg19) VCF-style: chr14-75515130-G-A.
Other names: c.1229C>T, p.Ala410Val (NM_014381.3); short protein forms A410V.
Identifiers: ClinVar variation 5024613 (VCV005024613.1).